The following is an entry in ClinVar:

NM_003239.5(TGFB3):c.223A>G (p.Ser75Gly)

Gene: TGFB3 (transforming growth factor beta 3; minus strand). Cytogenetic location: 14q24.3.
Variant type: single nucleotide variant.
Coding change: c.223A>G on transcript NM_003239.5 (MANE Select); coding-DNA position 223, A replaced by G.
Protein change: p.Ser75Gly; replaces serine 75 with glycine.
Molecular consequence: missense variant.
Genome position (GRCh38, 1-based): chr14:75,980,671, T>C on the plus strand (A>G on the coding strand, the complement: TGFB3 is on the minus strand). VCF-style: chr14-75980671-T-C. GRCh37 (hg19) VCF-style: chr14-76447014-T-C.
Other names: c.223A>G, p.Ser75Gly (NM_001329938.2, NM_001329939.2); short protein forms S75G.
Identifiers: ClinVar variation 1202685 (VCV001202685.9), dbSNP rs778796326, ClinGen allele CA7280494.

ClinVar aggregate classification (germline): Uncertain significance. Review status: criteria provided, multiple submitters, no conflicts (2 of 4 stars). 3 submissions from 3 submitters: Uncertain significance (3). Last evaluated 2025-12-06.

Conditions:
Rienhoff syndrome. Also called: LOEYS-DIETZ SYNDROME 5. Identifiers: MedGen C3810012, MONDO:0014262, OMIM 615582.
Familial thoracic aortic aneurysm and aortic dissection (TAAD). Also called: Thoracic aortic aneurysms and dissections. Identifiers: Orphanet 91387, MedGen C4707243, MONDO:0019625.

Allele frequency attached by ClinVar (database versions not stated): gnomAD exomes below 0.00001; ExAC 0.00001; gnomAD 0.00001; TOPMed 0.00001.
gnomAD v4.1: 3 of 1,614,112 alleles (0.00019%); highest among the groups gnomAD compares: African/African-American, 0.0013%; no homozygotes.

Submissions (3):

Labcorp Genetics (formerly Invitae), Labcorp
Classification: Uncertain significance for Rienhoff syndrome. Last evaluated: 2025-12-06. Review status: criteria provided, single submitter. Criteria: Invitae Variant Classification Sherloc (09022015). Collection method: clinical testing. Allele origin: germline.
Comment: This sequence change replaces serine, which is neutral and polar, with glycine, which is neutral and non-polar, at codon 75 of the TGFB3 protein (p.Ser75Gly). This variant is present in population databases (rs778796326, gnomAD 0.0009%). This variant has not been reported in the literature in individuals affected with TGFB3-related conditions. ClinVar contains an entry for this variant (Variation ID: 1202685). Invitae Evidence Modeling of protein sequence and biophysical properties (such as structural, functional, and spatial information, amino acid conservation, physicochemical variation, residue mobility, and thermodynamic stability) indicates that this missense variant is not expected to disrupt TGFB3 protein function with a negative predictive value of 80%. In summary, the available evidence is currently insufficient to determine the role of this variant in disease. Therefore, it has been classified as a Variant of Uncertain Significance.

GeneDx
Classification: Uncertain significance. Last evaluated: 2024-07-29. Review status: criteria provided, single submitter. Criteria: GeneDx Variant Classification Process June 2021. Collection method: clinical testing. Allele origin: germline. Affected: yes.
Comment: Not observed at significant frequency in large population cohorts (gnomAD); In silico analysis supports that this missense variant has a deleterious effect on protein structure/function; Has not been previously published as pathogenic or benign to our knowledge

Ambry Genetics
Classification: Uncertain significance for Familial thoracic aortic aneurysm and aortic dissection. Last evaluated: 2022-04-03. Review status: criteria provided, single submitter. Criteria: Ambry Variant Classification Scheme 2023. Collection method: clinical testing. Allele origin: germline.
Comment: The p.S75G variant (also known as c.223A>G), located in coding exon 1 of the TGFB3 gene, results from an A to G substitution at nucleotide position 223. The serine at codon 75 is replaced by glycine, an amino acid with similar properties. This amino acid position is conserved. In addition, the in silico prediction for this alteration is inconclusive. Since supporting evidence is limited at this time, the clinical significance of this alteration remains unclear.